The following is an entry in ClinVar:

ClinVar aggregate classification (germline): Likely benign (1 of 4 stars; one submission).

gnomAD v4.1: 1 of 1,445,094 alleles (0.000069%); no homozygotes.

Submission:

Center for Genomic Medicine, Rigshospitalet, Copenhagen University Hospital
Classification: Likely benign. Last evaluated: 2025-03-04. Review status: criteria provided, single submitter. Criteria: ACMG Guidelines, 2015. Collection method: clinical testing. Allele origin: germline.
Comment: Classification criteria: BP4, BP7

NM_000038.6(APC):c.1627-33G>A

Gene: APC (APC regulator of WNT signaling pathway; plus strand). Cytogenetic location: 5q22.2.
Variant type: single nucleotide variant.
Coding change: c.1627-33G>A on transcript NM_000038.6 (MANE Select); 33 bases into the intron before coding-DNA position 1627, G replaced by A.
Molecular consequence: intron variant.
Genome position (GRCh38, 1-based): chr5:112,828,823, G>A. VCF-style: chr5-112828823-G-A. GRCh37 (hg19) VCF-style: chr5-112164520-G-A.
Other names: c.778-33G>A (NM_001407470.1, NM_001354906.2); c.475-33G>A (NM_001407472.1, NM_001407471.1); c.1681-33G>A (NM_001407447.1, NM_001407448.1, NM_001407449.1 and 1 more transcripts); c.1627-33G>A (NM_001354895.2, NM_001407450.1, NM_001127510.3); c.1378-33G>A (NM_001407456.1, NM_001407457.1, NM_001407455.1 and 1 more transcripts); c.1324-33G>A (NM_001407460.1, NM_001407458.1, NM_001407459.1 and 1 more transcripts); c.1597-33G>A (NM_001407452.1); c.1240-33G>A (NM_001407469.1, NM_001407467.1); and 11 more.
Identifiers: ClinVar variation 3765400 (VCV003765400.1).